The following is an entry in ClinVar:

ClinVar aggregate classification (germline): Uncertain significance (1 of 4 stars; one submission).

Allele frequency attached by ClinVar (database versions not stated): gnomAD exomes 0.00001; TOPMed 0.00001.
gnomAD v4.1: 5 of 1,614,036 alleles (0.00031%); highest among the groups gnomAD compares: Admixed American, 0.0067%; no homozygotes.

Submission:

GeneDx
Classification: Uncertain significance. Last evaluated: 2022-01-31. Review status: criteria provided, single submitter. Criteria: GeneDx Variant Classification Process June 2021. Collection method: clinical testing. Allele origin: germline. Affected: yes.
Comment: In silico analysis supports that this missense variant does not alter protein structure/function; Has not been previously published as pathogenic or benign to our knowledge

NM_015335.5(MED13L):c.2815C>G (p.Pro939Ala)

Gene: MED13L (mediator complex subunit 13L; minus strand). Cytogenetic location: 12q24.21.
Variant type: single nucleotide variant.
Coding change: c.2815C>G on transcript NM_015335.5 (MANE Select); coding-DNA position 2815, C replaced by G.
Protein change: p.Pro939Ala; replaces proline 939 with alanine.
Molecular consequence: missense variant.
Genome position (GRCh38, 1-based): chr12:115,996,657, G>C on the plus strand (C>G on the coding strand, the complement: MED13L is on the minus strand). VCF-style: chr12-115996657-G-C. GRCh37 (hg19) VCF-style: chr12-116434462-G-C.
Other names: short protein forms P939A.
Identifiers: ClinVar variation 1699781 (VCV001699781.2), dbSNP rs1195996739, ClinGen allele CA386889904.